The following is an entry in ClinVar:

ClinVar aggregate classification (germline): Uncertain significance (0 of 4 stars; one submission).

Conditions:
NTRK3-related disorder. Also called: NTRK3-related condition.

Submission:

PreventionGenetics, part of Exact Sciences
Classification: Uncertain significance for NTRK3-related condition. Last evaluated: 2024-03-18. Review status: no assertion criteria provided. Collection method: clinical testing. Allele origin: germline.
Comment: The NTRK3 c.514C>T variant is predicted to result in premature protein termination (p.Gln172*). To our knowledge, this variant has not been reported in the literature or in a large population database, indicating this variant is rare. Of note, loss of function variants have not commonly been reported in the NTRK3 gene. At this time, the clinical significance of this variant is uncertain due to the absence of conclusive functional and genetic evidence.

NM_001012338.3(NTRK3):c.514C>T (p.Gln172Ter)

Gene: NTRK3 (neurotrophic receptor tyrosine kinase 3; minus strand). Cytogenetic location: 15q25.3.
Variant type: single nucleotide variant.
Coding change: c.514C>T on transcript NM_001012338.3 (MANE Select); coding-DNA position 514, C replaced by T.
Protein change: p.Gln172Ter; replaces glutamine 172 with a stop codon.
Molecular consequence: nonsense.
Genome position (GRCh38, 1-based): chr15:88,137,512, G>A on the plus strand (C>T on the coding strand, the complement: NTRK3 is on the minus strand). VCF-style: chr15-88137512-G-A. GRCh37 (hg19) VCF-style: chr15-88680743-G-A.
Other names: c.514C>T, p.Gln172Ter (NM_001007156.3, NM_001243101.2, NM_001320134.1 and 6 more transcripts); c.220C>T, p.Gln74Ter (NM_001320135.2); short protein forms Q172*, Q74*.
Identifiers: ClinVar variation 3348872 (VCV003348872.1).